The following is an entry in ClinVar:

NM_030665.4(RAI1):c.920A>G (p.Asn307Ser)

Gene: RAI1 (retinoic acid induced 1; plus strand). Cytogenetic location: 17p11.2.
Variant type: single nucleotide variant.
Coding change: c.920A>G on transcript NM_030665.4 (MANE Select); coding-DNA position 920, A replaced by G.
Protein change: p.Asn307Ser; replaces asparagine 307 with serine.
Molecular consequence: missense variant.
Genome position (GRCh38, 1-based): chr17:17,793,868, A>G. VCF-style: chr17-17793868-A-G. GRCh37 (hg19) VCF-style: chr17-17697182-A-G.
Other names: short protein forms N307S.
Identifiers: ClinVar variation 2912815 (VCV002912815.3), dbSNP rs2508572557, ClinGen allele CA398546496.

ClinVar aggregate classification (germline): Uncertain significance (1 of 4 stars; one submission).

Submission:

Labcorp Genetics (formerly Invitae), Labcorp
Classification: Uncertain significance. Last evaluated: 2023-05-16. Review status: criteria provided, single submitter. Criteria: Invitae Variant Classification Sherloc (09022015). Collection method: clinical testing. Allele origin: germline.
Comment: This variant is not present in population databases (gnomAD no frequency). This sequence change replaces asparagine, which is neutral and polar, with serine, which is neutral and polar, at codon 307 of the RAI1 protein (p.Asn307Ser). This variant has not been reported in the literature in individuals affected with RAI1-related conditions. Advanced modeling of protein sequence and biophysical properties (such as structural, functional, and spatial information, amino acid conservation, physicochemical variation, residue mobility, and thermodynamic stability) performed at Invitae indicates that this missense variant is not expected to disrupt RAI1 protein function. In summary, the available evidence is currently insufficient to determine the role of this variant in disease. Therefore, it has been classified as a Variant of Uncertain Significance.